The following is an entry in ClinVar:

ClinVar aggregate classification (germline): Uncertain significance. Review status: criteria provided, multiple submitters, no conflicts (2 of 4 stars). 6 submissions from 6 submitters: Uncertain significance (6). Last evaluated 2025-03-22.

Conditions:
DNAAF2-related disorder. Also called: DNAAF2-related condition.
Primary ciliary dyskinesia. Also called: Ciliary dyskinesia. Identifiers: Orphanet 244, MedGen C0008780, MONDO:0016575, HP:0012265.

Allele frequency attached by ClinVar (database versions not stated): gnomAD 0.00001; ExAC 0.00002; gnomAD exomes 0.00002; TOPMed 0.00002.

Submissions (6):

Labcorp Genetics (formerly Invitae), Labcorp
Classification: Uncertain significance for Primary ciliary dyskinesia. Last evaluated: 2025-03-22. Review status: criteria provided, single submitter. Criteria: Invitae Variant Classification Sherloc (09022015). Collection method: clinical testing. Allele origin: germline.
Comment: This sequence change replaces alanine, which is neutral and non-polar, with threonine, which is neutral and polar, at codon 599 of the DNAAF2 protein (p.Ala599Thr). This variant is present in population databases (rs756765143, gnomAD 0.006%). This variant has not been reported in the literature in individuals affected with DNAAF2-related conditions. ClinVar contains an entry for this variant (Variation ID: 241281). Invitae Evidence Modeling of protein sequence and biophysical properties (such as structural, functional, and spatial information, amino acid conservation, physicochemical variation, residue mobility, and thermodynamic stability) indicates that this missense variant is not expected to disrupt DNAAF2 protein function with a negative predictive value of 80%. In summary, the available evidence is currently insufficient to determine the role of this variant in disease. Therefore, it has been classified as a Variant of Uncertain Significance.

Ambry Genetics
Classification: Uncertain significance for Primary ciliary dyskinesia. Last evaluated: 2025-02-28. Review status: criteria provided, single submitter. Criteria: Ambry Variant Classification Scheme 2023. Collection method: clinical testing. Allele origin: germline.

PreventionGenetics, part of Exact Sciences
Classification: Uncertain significance for DNAAF2-related condition. Last evaluated: 2025-02-05. Review status: criteria provided, single submitter. Criteria: ACMG Guidelines, 2015. Collection method: clinical testing. Allele origin: germline.
Comment: The DNAAF2 c.1795G>A variant is predicted to result in the amino acid substitution p.Ala599Thr. To our knowledge, this variant has not been reported in the literature. This variant is reported in 0.0065% of alleles in individuals of South Asian descent in gnomAD. At this time, the clinical significance of this variant is uncertain due to the absence of conclusive functional and genetic evidence.

Blueprint Genetics
Classification: Uncertain significance. Last evaluated: 2024-06-12. Review status: criteria provided, single submitter. Criteria: ACMG Guidelines, 2015. Collection method: clinical testing. Allele origin: germline.

Laboratory for Molecular Medicine, Mass General Brigham Personalized Medicine
Classification: Uncertain significance. Last evaluated: 2017-04-03. Review status: criteria provided, single submitter. Criteria: LMM Criteria. Collection method: clinical testing. Allele origin: germline. Observed: 1 variant allele.
Comment: Variant classified as Uncertain Significance - Favor Benign. The p.Ala599Thr in exon 1 of DNAAF2 has not been previously reported in individuals with pulmonary disease, but has been identified in 1/66676 European chromosomes by the Exome Ag gregation Consortium (ExAC; dbSNP rs756765143). Alanine (Ala) at position 599 is not conserved in mammals or evolutionarily dist ant species and 2 mammals (Cape golden mole and opossum) carry a threonine (Thr) , raising the possibility that this change may be tolerated. Additional computat ional prediction tools suggest that the variant may not impact the protein, thou gh this information is not predictive enough to rule out pathogenicity. In summa ry, while the clinical significance of the p.Ala599Thr variant is uncertain, the se data suggest that it is more likely to be benign.

Breakthrough Genomics
Classification: Uncertain significance. Review status: criteria provided, single submitter. Criteria: ACMG Guidelines, 2015. Collection method: not provided. Allele origin: germline. Inheritance: Autosomal recessive inheritance. Affected: yes.

NM_018139.3(DNAAF2):c.1795G>A (p.Ala599Thr)

Gene: DNAAF2 (dynein axonemal assembly factor 2; minus strand). Cytogenetic location: 14q21.3.
Variant type: single nucleotide variant.
Coding change: c.1795G>A on transcript NM_018139.3 (MANE Select); coding-DNA position 1795, G replaced by A.
Protein change: p.Ala599Thr; replaces alanine 599 with threonine.
Molecular consequence: missense variant. On other transcripts: intron variant (1).
Genome position (GRCh38, 1-based): chr14:49,633,355, C>T on the plus strand (G>A on the coding strand, the complement: DNAAF2 is on the minus strand). VCF-style: chr14-49633355-C-T. GRCh37 (hg19) VCF-style: chr14-50100073-C-T.
Other names: c.1795G>A, p.Ala599Thr (NM_001083908.2); c.-205+128G>A (NM_001378453.1); short protein forms A599T.
Identifiers: ClinVar variation 241281 (VCV000241281.18), dbSNP rs756765143, ClinGen allele CA7172826.